The following is an entry in ClinVar:

ClinVar aggregate classification (germline): Uncertain significance. Review status: criteria provided, multiple submitters, no conflicts (2 of 4 stars). 3 submissions from 3 submitters: Uncertain significance (3). Last evaluated 2026-01-12.

Allele frequency attached by ClinVar (database versions not stated): gnomAD exomes 0.00001; ExAC 0.00002; TOPMed 0.00002; gnomAD 0.00003; ESP Exome Variant Server 0.00015.
gnomAD v4.1: 19 of 1,614,126 alleles (0.0012%); highest among the groups gnomAD compares: African/African-American, 0.004%; no homozygotes.

Submissions (3):

Labcorp Genetics (formerly Invitae), Labcorp
Classification: Uncertain significance. Last evaluated: 2026-01-12. Review status: criteria provided, single submitter. Criteria: Invitae Variant Classification Sherloc (09022015). Collection method: clinical testing. Allele origin: germline.
Comment: This sequence change replaces lysine, which is basic and polar, with arginine, which is basic and polar, at codon 544 of the ARHGEF1 protein (p.Lys544Arg). This variant is present in population databases (rs369550986, gnomAD 0.008%). This variant has not been reported in the literature in individuals affected with ARHGEF1-related conditions. ClinVar contains an entry for this variant (Variation ID: 2052370). An algorithm developed to predict the effect of missense changes on protein structure and function (PolyPhen-2) suggests that this variant is likely to be disruptive. In summary, the available evidence is currently insufficient to determine the role of this variant in disease. Therefore, it has been classified as a Variant of Uncertain Significance.

Ambry Genetics
Classification: Uncertain significance. Last evaluated: 2025-03-05. Review status: criteria provided, single submitter. Criteria: Ambry Variant Classification Scheme 2023. Collection method: clinical testing. Allele origin: germline.

Blueprint Genetics
Classification: Uncertain significance. Last evaluated: 2021-12-16. Review status: criteria provided, single submitter. Criteria: ACMG Guidelines, 2015. Collection method: clinical testing. Allele origin: germline.

NM_004706.4(ARHGEF1):c.1586A>G (p.Lys529Arg)

Gene: ARHGEF1 (Rho guanine nucleotide exchange factor 1; plus strand). Cytogenetic location: 19q13.2.
Variant type: single nucleotide variant.
Coding change: c.1586A>G on transcript NM_004706.4 (MANE Select); coding-DNA position 1586, A replaced by G.
Protein change: p.Lys529Arg; replaces lysine 529 with arginine.
Molecular consequence: missense variant. On other transcripts: non-coding transcript variant (2).
Genome position (GRCh38, 1-based): chr19:41,902,621, A>G. VCF-style: chr19-41902621-A-G. GRCh37 (hg19) VCF-style: chr19-42406771-A-G.
Other names: c.1754A>G, p.Lys585Arg (NM_001396000.1); c.1487A>G, p.Lys496Arg (NM_001396002.1, NM_001396004.1, NM_198977.2); c.1586A>G, p.Lys529Arg (NM_001396003.1, NM_001396006.1); c.1631A>G, p.Lys544Arg (NM_199002.2); c.1631A>G (NM_199002.1); short protein forms K544R, K529R, K585R, K496R.
Identifiers: ClinVar variation 2052370 (VCV002052370.6), dbSNP rs369550986, ClinGen allele CA9466413.